The following is an entry in ClinVar:

NM_001735.3(C5):c.767A>G (p.Tyr256Cys)

Gene: C5 (complement C5; minus strand). Cytogenetic location: 9q33.2.
Variant type: single nucleotide variant.
Coding change: c.767A>G on transcript NM_001735.3 (MANE Select); coding-DNA position 767, A replaced by G.
Protein change: p.Tyr256Cys; replaces tyrosine 256 with cysteine.
Molecular consequence: missense variant.
Genome position (GRCh38, 1-based): chr9:121,027,266, T>C on the plus strand (A>G on the coding strand, the complement: C5 is on the minus strand). VCF-style: chr9-121027266-T-C. GRCh37 (hg19) VCF-style: chr9-123789544-T-C.
Other names: c.767A>G (NM_001735.2); c.785A>G, p.Tyr262Cys (NM_001317163.2); c.767A>G, p.Tyr256Cys (NM_001317164.2); short protein forms Y256C, Y262C.
Identifiers: ClinVar variation 1490491 (VCV001490491.7), dbSNP rs530899083, ClinGen allele CA5218276.

ClinVar aggregate classification (germline): Uncertain significance. Review status: criteria provided, multiple submitters, no conflicts (2 of 4 stars). 2 submissions from 2 submitters: Uncertain significance (2). Last evaluated 2024-01-29.

Allele frequency attached by ClinVar (database versions not stated): gnomAD exomes below 0.00001 and 0.00003; TOPMed below 0.00001; gnomAD 0.00001; ExAC 0.00004; 1000 Genomes Project 30x 0.00016; 1000 Genomes Project 0.00020.

Submissions (2):

GeneDx
Classification: Uncertain significance. Last evaluated: 2024-01-29. Review status: criteria provided, single submitter. Criteria: GeneDx Variant Classification Process June 2021. Collection method: clinical testing. Allele origin: germline. Affected: yes.
Comment: In silico analysis supports that this missense variant has a deleterious effect on protein structure/function; Has not been previously published as pathogenic or benign to our knowledge

Labcorp Genetics (formerly Invitae), Labcorp
Classification: Uncertain significance. Last evaluated: 2021-11-23. Review status: criteria provided, single submitter. Criteria: Invitae Variant Classification Sherloc (09022015). Collection method: clinical testing. Allele origin: germline.
Comment: This variant is present in population databases (rs530899083, gnomAD 0.02%). This variant has not been reported in the literature in individuals affected with C5-related conditions. Algorithms developed to predict the effect of missense changes on protein structure and function are either unavailable or do not agree on the potential impact of this missense change (SIFT: "Tolerated"; PolyPhen-2: "Probably Damaging"; Align-GVGD: "Class C0"). In summary, the available evidence is currently insufficient to determine the role of this variant in disease. Therefore, it has been classified as a Variant of Uncertain Significance. This sequence change replaces tyrosine, which is neutral and polar, with cysteine, which is neutral and slightly polar, at codon 256 of the C5 protein (p.Tyr256Cys).